The following is an entry in ClinVar:

ClinVar aggregate classification (germline): Uncertain significance (1 of 4 stars; one submission).

Submission:

Labcorp Genetics (formerly Invitae), Labcorp
Classification: Uncertain significance. Last evaluated: 2023-04-24. Review status: criteria provided, single submitter. Criteria: Invitae Variant Classification Sherloc (09022015). Collection method: clinical testing. Allele origin: germline.
Comment: This sequence change replaces leucine, which is neutral and non-polar, with valine, which is neutral and non-polar, at codon 59 of the NUP62 protein (p.Leu59Val). This variant is not present in population databases (gnomAD no frequency). This variant has not been reported in the literature in individuals affected with NUP62-related conditions. ClinVar contains an entry for this variant (Variation ID: 1018537). An algorithm developed to predict the effect of missense changes on protein structure and function (PolyPhen-2) suggests that this variant is likely to be disruptive. In summary, the available evidence is currently insufficient to determine the role of this variant in disease. Therefore, it has been classified as a Variant of Uncertain Significance.

NM_016553.5(NUP62):c.175C>G (p.Leu59Val)

Genes: IL4I1 (interleukin 4 induced 1; minus strand), NUP62 (nucleoporin 62; minus strand). Cytogenetic location: 19q13.33.
Variant type: single nucleotide variant.
Coding change: c.175C>G on transcript NM_016553.5 (MANE Select); coding-DNA position 175, C replaced by G.
Protein change: p.Leu59Val; replaces leucine 59 with valine.
Molecular consequence: missense variant. On other transcripts: intron variant (3).
Genome position (GRCh38, 1-based): chr19:49,909,633, G>C on the plus strand (C>G on the coding strand, the complement: NUP62 is on the minus strand). VCF-style: chr19-49909633-G-C. GRCh37 (hg19) VCF-style: chr19-50412890-G-C.
Other names: c.175C>G, p.Leu59Val (NM_012346.5, NM_153718.4, NM_153719.4 and 1 more transcripts); c.-227-5312C>G (NM_001258017.2, NM_172374.3); c.-285-5312C>G (NM_001258018.2); short protein forms L59V.
Identifiers: ClinVar variation 1018537 (VCV001018537.9), dbSNP rs1283177025, ClinGen allele CA406928588.